The following is an entry in ClinVar:

ClinVar aggregate classification (germline): Likely benign. Review status: criteria provided, multiple submitters, no conflicts (2 of 4 stars). 3 submissions from 3 submitters: Likely benign (3). Last evaluated 2025-12-22.

Conditions:
Autosomal dominant nonsyndromic hearing loss 1. Also called: KONIGSMARK SYNDROME; DEAFNESS, AUTOSOMAL DOMINANT 1, WITH OR WITHOUT THROMBOCYTOPENIA. Identifiers: Orphanet 90635, MedGen C1852282, MONDO:0007424, OMIM 124900.
Progressive microcephaly-seizures-cortical blindness-developmental delay syndrome. Also called: Seizures, cortical blindness, and microcephaly syndrome. Identifiers: Orphanet 477814, MedGen C5567650, MONDO:0014714, OMIM 616632.

Allele frequency attached by ClinVar (database versions not stated): gnomAD exomes 0.00005; gnomAD 0.00101 and 0.00108.

Submissions (3):

Labcorp Genetics (formerly Invitae), Labcorp
Classification: Likely benign for Progressive microcephaly-seizures-cortical blindness-developmental delay syndrome; Autosomal dominant nonsyndromic hearing loss 1. Last evaluated: 2025-12-22. Review status: criteria provided, single submitter. Criteria: Invitae Variant Classification Sherloc (09022015). Collection method: clinical testing. Allele origin: germline.

GeneDx
Classification: Likely benign. Last evaluated: 2017-05-09. Review status: criteria provided, single submitter. Criteria: GeneDx Variant Classification (06012015). Collection method: clinical testing. Allele origin: germline. Affected: yes.
Comment: This variant is considered likely benign or benign based on one or more of the following criteria: it is a conservative change, it occurs at a poorly conserved position in the protein, it is predicted to be benign by multiple in silico algorithms, and/or has population frequency not consistent with disease.

Laboratory for Molecular Medicine, Mass General Brigham Personalized Medicine
Classification: Likely benign. Last evaluated: 2016-01-06. Review status: criteria provided, single submitter. Criteria: LMM Criteria. Collection method: clinical testing. Allele origin: germline. Observed: 1 variant allele.
Comment: p.Pro689Pro in exon 16 of DIAPH1: This variant is not expected to have clinical significance because it does not alter an amino acid residue and is not located within the splice consensus sequence.

NM_005219.5(DIAPH1):c.2067A>C (p.Pro689=)

Gene: DIAPH1 (diaphanous related formin 1; minus strand). Cytogenetic location: 5q31.3.
Variant type: single nucleotide variant.
Coding change: c.2067A>C on transcript NM_005219.5 (MANE Select); coding-DNA position 2067, A replaced by C.
Protein change: p.Pro689=; no amino-acid change (proline 689 retained).
Molecular consequence: synonymous variant.
Genome position (GRCh38, 1-based): chr5:141,573,783, T>G on the plus strand (A>C on the coding strand, the complement: DIAPH1 is on the minus strand). VCF-style: chr5-141573783-T-G. GRCh37 (hg19) VCF-style: chr5-140953350-T-G.
Other names: c.2040A>C, p.Pro680= (NM_001079812.3); c.2067A>C, p.Pro689= (NM_001314007.2).
Identifiers: ClinVar variation 227301 (VCV000227301.7), dbSNP rs876657451, ClinGen allele CA10576653.